The following is an entry in ClinVar:

NM_001349338.3(FOXP1):c.1283G>A (p.Ser428Asn)

Gene: FOXP1 (forkhead box P1; minus strand). Cytogenetic location: 3p13.
Variant type: single nucleotide variant.
Coding change: c.1283G>A on transcript NM_001349338.3 (MANE Select); coding-DNA position 1283, G replaced by A.
Protein change: p.Ser428Asn; replaces serine 428 with asparagine.
Molecular consequence: missense variant. On other transcripts: non-coding transcript variant (2).
Genome position (GRCh38, 1-based): chr3:70,977,893, C>T on the plus strand (G>A on the coding strand, the complement: FOXP1 is on the minus strand). VCF-style: chr3-70977893-C-T. GRCh37 (hg19) VCF-style: chr3-71027044-C-T.
Other names: c.1283G>A, p.Ser428Asn (NM_001244808.3, NM_001244810.2, NM_001244814.3 and 4 more transcripts); c.1055G>A, p.Ser352Asn (NM_001244812.3); c.983G>A, p.Ser328Asn (NM_001244813.3, NM_001244815.2, NM_001349342.3 and 1 more transcripts); c.980G>A, p.Ser327Asn (NM_001349337.2, NM_001349343.3, NM_001349344.3); c.1280G>A, p.Ser427Asn (NM_001349341.3); short protein forms S428N, S328N, S427N, S327N, S352N.
Identifiers: ClinVar variation 2785214 (VCV002785214.3), dbSNP rs746460162, ClinGen allele CA2491039.

ClinVar aggregate classification (germline): Uncertain significance (1 of 4 stars; one submission).

Allele frequency attached by ClinVar (database versions not stated): gnomAD exomes below 0.00001; ExAC 0.00001.
gnomAD v4.1: 6 of 1,614,100 alleles (0.00037%); highest among the groups gnomAD compares: Non-Finnish European, 0.00051%; no homozygotes.

Submission:

Labcorp Genetics (formerly Invitae), Labcorp
Classification: Uncertain significance. Last evaluated: 2024-01-21. Review status: criteria provided, single submitter. Criteria: Invitae Variant Classification Sherloc (09022015). Collection method: clinical testing. Allele origin: germline.
Comment: This sequence change replaces serine, which is neutral and polar, with asparagine, which is neutral and polar, at codon 428 of the FOXP1 protein (p.Ser428Asn). This variant is present in population databases (rs746460162, gnomAD 0.0009%). This variant has not been reported in the literature in individuals affected with FOXP1-related conditions. Advanced modeling of protein sequence and biophysical properties (such as structural, functional, and spatial information, amino acid conservation, physicochemical variation, residue mobility, and thermodynamic stability) performed at Invitae indicates that this missense variant is not expected to disrupt FOXP1 protein function with a negative predictive value of 95%. In summary, the available evidence is currently insufficient to determine the role of this variant in disease. Therefore, it has been classified as a Variant of Uncertain Significance.